The following is an entry in ClinVar:

NM_000094.4(COL7A1):c.263C>T (p.Pro88Leu)

Gene: COL7A1 (collagen type VII alpha 1 chain; minus strand). Cytogenetic location: 3p21.31.
Variant type: single nucleotide variant.
Coding change: c.263C>T on transcript NM_000094.4 (MANE Select); coding-DNA position 263, C replaced by T.
Protein change: p.Pro88Leu; replaces proline 88 with leucine.
Molecular consequence: missense variant.
Genome position (GRCh38, 1-based): chr3:48,594,371, G>A on the plus strand (C>T on the coding strand, the complement: COL7A1 is on the minus strand). VCF-style: chr3-48594371-G-A. GRCh37 (hg19) VCF-style: chr3-48631804-G-A.
Other names: short protein forms P88L.
Identifiers: ClinVar variation 5003164 (VCV005003164.1).
Genomic context (GRCh38, chr3:48,594,371, plus strand): 5'-GGGGAAGGAGTCTTGGTGGGGATCTCGTGGTCCCCAGCCCCCAGGGCCCCTACTCACCGT[G>A]GGTCATCGCTGTACTGCACTGTGGCAAAGCGCACACCCTGTGCACTGGCTGCTCCAGAGA-3'
Protein context (NP_000085.1, residues 78-98): RFATVQYSDD[Pro88Leu]RTEFGLDALG

ClinVar aggregate classification (germline): Uncertain significance (1 of 4 stars; one submission).

Conditions:
Transient bullous dermolysis of the newborn (TBDN). Also called: DYSTROPHIC EPIDERMOLYSIS BULLOSA, NEONATAL; EPIDERMOLYSIS BULLOSA DYSTROPHICA, NEONATAL FORM. Identifiers: Orphanet 79411, MedGen C1851573, MONDO:0007548, OMIM 131705.

Submission:

OLLIN Analises Genomicas, OLLIN
Classification: Uncertain significance for Transient bullous dermolysis of the newborn. Last evaluated: 2026-08-06. Review status: criteria provided, single submitter. Criteria: ACMG Guidelines 2015 PMID 25741868. Collection method: clinical testing. Allele origin: germline. Inheritance: Autosomal recessive inheritance.
Comment: This missense variant, located in exon 3 (of 119), is absent from gnomAD and ClinVar but has been reported in the scientific literature, in compound heterozygosity, in individuals with COL7A1 related disorders (PMID: 31001817). In silico analysis is inconclusive regarding the impact of this variant. According to the currently available evidence, this variant has been classified as uncertain significance (PM2_P, PM3).

Literature cited by the submitters: PubMed 31001817.